The following is an entry in ClinVar:

ClinVar aggregate classification (germline): Uncertain significance (1 of 4 stars; one submission).

Allele frequency attached by ClinVar (database versions not stated): gnomAD exomes 0.00001 and 0.00004; gnomAD 0.00003 and 0.00004; TOPMed 0.00003.
gnomAD v4.1: 25 of 1,533,974 alleles (0.0016%); highest among the groups gnomAD compares: Middle Eastern, 0.035%; no homozygotes.

Submission:

Labcorp Genetics (formerly Invitae), Labcorp
Classification: Uncertain significance. Last evaluated: 2025-10-29. Review status: criteria provided, single submitter. Criteria: Invitae Variant Classification Sherloc (09022015). Collection method: clinical testing. Allele origin: germline.
Comment: This sequence change replaces arginine, which is basic and polar, with glutamine, which is neutral and polar, at codon 1147 of the COL18A1 protein (p.Arg1147Gln). This variant is present in population databases (rs767494712, gnomAD 0.02%). This variant has not been reported in the literature in individuals affected with COL18A1-related conditions. ClinVar contains an entry for this variant (Variation ID: 1480429). Experimental studies and prediction algorithms are not available or were not evaluated, and the functional significance of this variant is currently unknown. In summary, the available evidence is currently insufficient to determine the role of this variant in disease. Therefore, it has been classified as a Variant of Uncertain Significance.

NM_001379500.1(COL18A1):c.3449G>A (p.Arg1150Gln)

Genes: COL18A1 (collagen type XVIII alpha 1 chain; plus strand), SLC19A1 (solute carrier family 19 member 1; minus strand). Cytogenetic location: 21q22.3.
Variant type: single nucleotide variant.
Coding change: c.3449G>A on transcript NM_001379500.1 (MANE Select); coding-DNA position 3449, G replaced by A.
Protein change: p.Arg1150Gln; replaces arginine 1150 with glutamine.
Molecular consequence: missense variant.
Genome position (GRCh38, 1-based): chr21:45,509,555, G>A. VCF-style: chr21-45509555-G-A. GRCh37 (hg19) VCF-style: chr21-46929469-G-A.
Other names: c.3980G>A, p.Arg1327Gln (NM_030582.4); c.4685G>A, p.Arg1562Gln (NM_130444.3); short protein forms R1327Q, R1150Q, R1562Q.
Identifiers: ClinVar variation 1480429 (VCV001480429.4), dbSNP rs767494712, ClinGen allele CA10067895.